The following is an entry in ClinVar:

NM_004046.6(ATP5F1A):c.856C>A (p.Gln286Lys)

Gene: ATP5F1A (ATP synthase F1 subunit alpha; minus strand). Cytogenetic location: 18q21.1.
Variant type: single nucleotide variant.
Coding change: c.856C>A on transcript NM_004046.6 (MANE Select); coding-DNA position 856, C replaced by A.
Protein change: p.Gln286Lys; replaces glutamine 286 with lysine.
Molecular consequence: missense variant.
Genome position (GRCh38, 1-based): chr18:46,087,436, G>T on the plus strand (C>A on the coding strand, the complement: ATP5F1A is on the minus strand). VCF-style: chr18-46087436-G-T. GRCh37 (hg19) VCF-style: chr18-43667402-G-T.
Other names: c.706C>A, p.Gln236Lys (NM_001001935.3, NM_001257335.2); c.856C>A, p.Gln286Lys (NM_001001937.2); c.790C>A, p.Gln264Lys (NM_001257334.2); short protein forms Q264K, Q236K, Q286K.
Identifiers: ClinVar variation 5009201 (VCV005009201.1).

ClinVar aggregate classification (germline): Uncertain significance (1 of 4 stars; one submission).

Submission:

GeneDx
Classification: Uncertain significance. Last evaluated: 2026-03-17. Review status: criteria provided, single submitter. Criteria: GeneDx Variant Classification Process June 2021. Collection method: clinical testing. Allele origin: germline.
Comment: Not observed at significant frequency in large population cohorts (gnomAD); In silico analysis supports that this missense variant has a deleterious effect on protein structure/function; Has not been previously published as pathogenic or benign to our knowledge